The following is an entry in ClinVar:

ClinVar aggregate classification (germline): Benign (1 of 4 stars; one submission).

gnomAD v4.1: 579 of 398,680 alleles (0.15%); highest among the groups gnomAD compares: African/African-American, 1%; 3 homozygotes.

Submission:

CeGaT Center for Human Genetics Tuebingen
Classification: Benign. Last evaluated: 2026-06-01. Review status: criteria provided, single submitter. Criteria: CeGaT Center For Human Genetics Tuebingen Variant Classification Criteria Version 2. Collection method: clinical testing. Allele origin: germline. Affected: yes. Observed: 4 variant alleles.
Comment: KCNQ1OT1: BS1, BS2

NM_000218.3(KCNQ1):c.1514+1899G>A

Genes: KCNQ1 (potassium voltage-gated channel subfamily Q member 1; plus strand), KCNQ1OT1 (KCNQ1 opposite strand/antisense transcript 1; minus strand). Cytogenetic location: 11p15.5.
Variant type: single nucleotide variant.
Coding change: c.1514+1899G>A on transcript NM_000218.3 (MANE Select); 1899 bases into the intron after coding-DNA position 1514, G replaced by A.
Molecular consequence: intron variant. On other transcripts: non-coding transcript variant (1).
Genome position (GRCh38, 1-based): chr11:2,663,980, G>A. VCF-style: chr11-2663980-G-A. GRCh37 (hg19) VCF-style: chr11-2685210-G-A.
Other names: c.1244+1899G>A (NM_001406837.1); c.1418+1899G>A (NM_001406836.1); c.974+1899G>A (NM_001406838.1); c.1133+1899G>A (NM_181798.2).
Identifiers: ClinVar variation 4084868 (VCV004084868.8).